The following is an entry in ClinVar:

ClinVar aggregate classification (germline): Uncertain significance (1 of 4 stars; one submission).

gnomAD v4.1: 17 of 1,564,416 alleles (0.0011%); highest among the groups gnomAD compares: Non-Finnish European, 0.0015%; no homozygotes.

Submission:

Labcorp Genetics (formerly Invitae), Labcorp
Classification: Uncertain significance. Last evaluated: 2024-05-31. Review status: criteria provided, single submitter. Criteria: Invitae Variant Classification Sherloc (09022015). Collection method: clinical testing. Allele origin: germline.
Comment: This sequence change replaces valine, which is neutral and non-polar, with alanine, which is neutral and non-polar, at codon 425 of the COL9A2 protein (p.Val425Ala). The frequency data for this variant in the population databases is considered unreliable, as metrics indicate poor data quality at this position in the gnomAD database. This variant has not been reported in the literature in individuals affected with COL9A2-related conditions. Advanced modeling of protein sequence and biophysical properties (such as structural, functional, and spatial information, amino acid conservation, physicochemical variation, residue mobility, and thermodynamic stability) performed at Invitae indicates that this missense variant is not expected to disrupt COL9A2 protein function with a negative predictive value of 95%. In summary, the available evidence is currently insufficient to determine the role of this variant in disease. Therefore, it has been classified as a Variant of Uncertain Significance.

NM_001852.4(COL9A2):c.1274T>C (p.Val425Ala)

Gene: COL9A2 (collagen type IX alpha 2 chain; minus strand). Cytogenetic location: 1p34.2.
Variant type: single nucleotide variant.
Coding change: c.1274T>C on transcript NM_001852.4 (MANE Select); coding-DNA position 1274, T replaced by C.
Protein change: p.Val425Ala; replaces valine 425 with alanine.
Molecular consequence: missense variant.
Genome position (GRCh38, 1-based): chr1:40,304,333, A>G on the plus strand (T>C on the coding strand, the complement: COL9A2 is on the minus strand). VCF-style: chr1-40304333-A-G. GRCh37 (hg19) VCF-style: chr1-40770005-A-G.
Other names: short protein forms V425A.
Identifiers: ClinVar variation 3676238 (VCV003676238.2).